The following is an entry in ClinVar:

ClinVar aggregate classification (germline): Uncertain significance. Review status: criteria provided, multiple submitters, no conflicts (2 of 4 stars). 2 submissions from 2 submitters: Uncertain significance (2). Last evaluated 2024-02-28.

Conditions:
Centromeric instability of chromosomes 1,9 and 16 and immunodeficiency (ICF1). Also called: CENTROMERIC INSTABILITY, IMMUNODEFICIENCY SYNDROME; IMMUNE DEFICIENCY, VARIABLE, WITH CENTROMERIC INSTABILITY OF CHROMOSOMES 1, 9, AND 16; IMMUNODEFICIENCY SYNDROME, VARIABLE; Immunodeficiency-centromeric instability-facial anomalies. Identifiers: Orphanet 2268, MedGen C0398788, MONDO:0000133.
Inborn genetic diseases. Identifiers: MedGen C0950123, MeSH D030342.

Allele frequency attached by ClinVar (database versions not stated): TOPMed 0.00004; gnomAD 0.00006; ExAC 0.00011.
gnomAD v4.1: 66 of 1,614,232 alleles (0.0041%); highest among the groups gnomAD compares: South Asian, 0.053%; 3 homozygotes.

Submissions (2):

Labcorp Genetics (formerly Invitae), Labcorp
Classification: Uncertain significance for Centromeric instability of chromosomes 1,9 and 16 and immunodeficiency. Last evaluated: 2024-02-28. Review status: criteria provided, single submitter. Criteria: Invitae Variant Classification Sherloc (09022015). Collection method: clinical testing. Allele origin: germline.
Comment: This sequence change replaces arginine, which is basic and polar, with tryptophan, which is neutral and slightly polar, at codon 537 of the DNMT3B protein (p.Arg537Trp). This variant is present in population databases (rs771223602, gnomAD 0.04%). This variant has not been reported in the literature in individuals affected with DNMT3B-related conditions. ClinVar contains an entry for this variant (Variation ID: 2150334). Advanced modeling of protein sequence and biophysical properties (such as structural, functional, and spatial information, amino acid conservation, physicochemical variation, residue mobility, and thermodynamic stability) performed at Invitae indicates that this missense variant is not expected to disrupt DNMT3B protein function with a negative predictive value of 80%. In summary, the available evidence is currently insufficient to determine the role of this variant in disease. Therefore, it has been classified as a Variant of Uncertain Significance.

Ambry Genetics
Classification: Uncertain significance for Inborn genetic diseases. Last evaluated: 2023-05-31. Review status: criteria provided, single submitter. Criteria: Ambry Variant Classification Scheme 2023. Collection method: clinical testing. Allele origin: germline.

NM_006892.4(DNMT3B):c.1609C>T (p.Arg537Trp)

Genes: DNMT3B (DNA methyltransferase 3 beta; plus strand), LOC126863014 (CDK7 strongly-dependent group 2 enhancer GRCh37_chr20:31385992-31387191; plus strand). Cytogenetic location: 20q11.21.
Variant type: single nucleotide variant.
Coding change: c.1609C>T on transcript NM_006892.4 (MANE Select); coding-DNA position 1609, C replaced by T.
Protein change: p.Arg537Trp; replaces arginine 537 with tryptophan.
Molecular consequence: missense variant.
Genome position (GRCh38, 1-based): chr20:32,798,578, C>T. VCF-style: chr20-32798578-C-T. GRCh37 (hg19) VCF-style: chr20-31386384-C-T.
Other names: c.1423C>T, p.Arg475Trp (NM_001207055.2); c.1321C>T, p.Arg441Trp (NM_001207056.2); c.1549C>T, p.Arg517Trp (NM_175848.2, NM_175849.2); c.1585C>T, p.Arg529Trp (NM_175850.3); short protein forms R475W, R517W, R537W, R441W, R529W.
Identifiers: ClinVar variation 2150334 (VCV002150334.4), dbSNP rs771223602, ClinGen allele CA9810646.
Genomic context (GRCh38, chr20:32,798,578, plus strand): 5'-AAGCTTCAGGAGCCCTGGAGCTGTTACATGTGTCTCCCGCAGCGCTGTCATGGCGTCCTG[C>T]GGCGCCGGAAGGACTGGAACGTGCGCCTGCAGGCCTTCTTCACCAGTGACACGGGGCTTG-3'
Protein context (NP_008823.1, residues 527-547): CLPQRCHGVL[Arg537Trp]RRKDWNVRLQ